The following is an entry in ClinVar:

NM_001943.5(DSG2):c.-11G>A

Genes: DSG2 (desmoglein 2; plus strand), LOC130062340 (ATAC-STARR-seq lymphoblastoid silent region 9384; plus strand). Cytogenetic location: 18q12.1.
Variant type: single nucleotide variant.
Coding change: c.-11G>A on transcript NM_001943.5 (MANE Select); 11 bases upstream of the start codon, G replaced by A.
Molecular consequence: 5 prime UTR variant.
Genome position (GRCh38, 1-based): chr18:31,498,241, G>A. VCF-style: chr18-31498241-G-A. GRCh37 (hg19) VCF-style: chr18-29078204-G-A.
Identifiers: ClinVar variation 178664 (VCV000178664.9), dbSNP rs727504450, ClinGen allele CA021308.

ClinVar aggregate classification (germline): Uncertain significance. Review status: criteria provided, multiple submitters, no conflicts (2 of 4 stars). 3 submissions from 3 submitters: Uncertain significance (2). 1 of the submissions does not count toward it. Last evaluated 2024-06-13.

Conditions:
Cardiomyopathy (CMYO). Also called: Cardiomyopathies. Identifiers: Orphanet 167848, MedGen C0878544, MONDO:0004994, HP:0001638. Inheritance: Various modes of inheritance.

Allele frequency attached by ClinVar (database versions not stated): TOPMed 0.00004; 1000 Genomes Project 30x 0.00016.
gnomAD v4.1: 31 of 1,255,106 alleles (0.0025%); highest among the groups gnomAD compares: Admixed American, 0.12%; 1 homozygote.

Submissions (3):

Color Diagnostics, LLC DBA Color Health
Classification: Uncertain significance for Cardiomyopathy. Last evaluated: 2024-06-13. Review status: criteria provided, single submitter. Criteria: ACMG Guidelines, 2015. Collection method: clinical testing. Allele origin: germline.
Comment: This variant is located in the 5' untranslated region of the DSG2 gene. To our knowledge, functional studies have not been reported for this variant. This variant has not been reported in individuals affected with cardiovascular disorders in the literature. This variant has not been identified in the general population by the Genome Aggregation Database (gnomAD). The available evidence is insufficient to determine the role of this variant in disease conclusively. Therefore, this variant is classified as a Variant of Uncertain Significance.

Women's Health and Genetics/Laboratory Corporation of America, LabCorp
Classification: Uncertain significance. Last evaluated: 2017-05-02. Review status: criteria provided, single submitter. Criteria: LabCorp Variant Classification Summary - May 2015. Collection method: clinical testing. Allele origin: germline.
Comment: Variant summary: The DSG2 c.-11G>A variant causes a missense change involving the alteration of a non-conserved nucleotide located in the 5' UTR. One in silico tool predicts a benign outcome for this variant. The variant of interest is absent in the large, broad control population, ExAC in 1260 control chromosomes. The variant of interest has not, to our knowledge, been reported in affected individuals via publications and/or clinical diagnostic laboratories; nor evaluated for functional impact by in vivo/vitro studies. Because of the absence of clinical information and the lack of functional studies, the variant is classified as a variant of uncertain significance (VUS).

Laboratory for Molecular Medicine, Mass General Brigham Personalized Medicine
No classification provided. Last evaluated: 2012-10-03. Review status: no classification provided. Collection method: clinical testing. Allele origin: germline. Observed: 1 variant allele. Not counted in ClinVar's aggregate classification.